The following is an entry in ClinVar:

ClinVar aggregate classification (germline): Uncertain significance. Review status: criteria provided, multiple submitters, no conflicts (2 of 4 stars). 2 submissions from 2 submitters: Uncertain significance (2). Last evaluated 2024-04-11.

Conditions:
Hereditary cancer-predisposing syndrome. Also called: Neoplastic Syndromes, Hereditary; Tumor predisposition; Hereditary Cancer Syndrome; Hereditary neoplastic syndrome. Identifiers: Orphanet 140162, MedGen C0027672, MeSH D009386, MONDO:0015356.

Allele frequency attached by ClinVar (database versions not stated): gnomAD exomes below 0.00001.

Submissions (2):

Ambry Genetics
Classification: Uncertain significance for Hereditary cancer-predisposing syndrome. Last evaluated: 2024-04-11. Review status: criteria provided, single submitter. Criteria: Ambry Variant Classification Scheme 2023. Collection method: clinical testing. Allele origin: germline.
Comment: The p.S506C variant (also known as c.1516A>T), located in coding exon 10 of the RAD50 gene, results from an A to T substitution at nucleotide position 1516. The serine at codon 506 is replaced by cysteine, an amino acid with dissimilar properties. This amino acid position is poorly conserved in available vertebrate species. In addition, this alteration is predicted to be tolerated by in silico analysis. Since supporting evidence is limited at this time, the clinical significance of this alteration remains unclear.

Labcorp Genetics (formerly Invitae), Labcorp
Classification: Uncertain significance for Hereditary cancer-predisposing syndrome. Last evaluated: 2023-05-02. Review status: criteria provided, single submitter. Criteria: Invitae Variant Classification Sherloc (09022015). Collection method: clinical testing. Allele origin: germline.
Comment: Advanced modeling of protein sequence and biophysical properties (such as structural, functional, and spatial information, amino acid conservation, physicochemical variation, residue mobility, and thermodynamic stability) performed at Invitae indicates that this missense variant is not expected to disrupt RAD50 protein function. In summary, the available evidence is currently insufficient to determine the role of this variant in disease. Therefore, it has been classified as a Variant of Uncertain Significance. ClinVar contains an entry for this variant (Variation ID: 649237). This variant has not been reported in the literature in individuals affected with RAD50-related conditions. This variant is not present in population databases (gnomAD no frequency). This sequence change replaces serine, which is neutral and polar, with cysteine, which is neutral and slightly polar, at codon 506 of the RAD50 protein (p.Ser506Cys).

NM_005732.4(RAD50):c.1516A>T (p.Ser506Cys)

Gene: RAD50 (RAD50 double strand break repair protein; plus strand). Cytogenetic location: 5q31.1.
Variant type: single nucleotide variant.
Coding change: c.1516A>T on transcript NM_005732.4 (MANE Select); coding-DNA position 1516, A replaced by T.
Protein change: p.Ser506Cys; replaces serine 506 with cysteine.
Molecular consequence: missense variant.
Genome position (GRCh38, 1-based): chr5:132,591,287, A>T. VCF-style: chr5-132591287-A-T. GRCh37 (hg19) VCF-style: chr5-131926979-A-T.
Other names: short protein forms S506C.
Identifiers: ClinVar variation 649237 (VCV000649237.12), dbSNP rs1580994346, ClinGen allele CA360945672.